The following is an entry in ClinVar:

ClinVar aggregate classification (germline): Uncertain significance (1 of 4 stars; one submission).

Conditions:
H syndrome. Also called: Asrar Facharzt Haque syndrome; Pigmented hypertrichosis and insulin-dependent diabetes mellitus; FAISALABAD HISTIOCYTOSIS; Histiocytosis with joint contractures and sensorineural deafness; HISTIOCYTOSIS AND LYMPHADENOPATHY WITH OR WITHOUT CUTANEOUS, CARDIAC, AND/OR ENDOCRINE FEATURES, JOINT CONTRACTURES, AND/OR DEAFNESS; HYPERPIGMENTATION, CUTANEOUS, WITH HYPERTRICHOSIS, HEPATOSPLENOMEGALY, HEART ANOMALIES, AND HYPOGONADISM WITH OR WITHOUT HEARING LOSS. Identifiers: Orphanet 168569, MedGen C1864445, MONDO:0011273, OMIM 602782.

Submission:

Labcorp Genetics (formerly Invitae), Labcorp
Classification: Uncertain significance for H syndrome. Last evaluated: 2022-07-17. Review status: criteria provided, single submitter. Criteria: Invitae Variant Classification Sherloc (09022015). Collection method: clinical testing. Allele origin: germline.
Comment: This variant results in a copy number gain of the genomic region encompassing exon(s) 1-2 of the SLC29A3 gene. This region includes the initiator codon of the gene. This copy number gain extends beyond the assayed region for this gene and therefore may encompass additional genes. As the precise location of this event is unknown, it may be in tandem or it may be located elsewhere in the genome. This variant has not been reported in the literature in individuals affected with SLC29A3-related conditions. Experimental studies and prediction algorithms are not available or were not evaluated, and the functional significance of this variant is currently unknown. In summary, the available evidence is currently insufficient to determine the role of this variant in disease. Therefore, it has been classified as a Variant of Uncertain Significance.

NC_000010.10:g.(?_73079067)_(73082831_?)dup

Gene: SLC29A3 (solute carrier family 29 member 3; plus strand). Cytogenetic location: 10q22.1.
Variant type: Duplication.
Identifiers: ClinVar variation 1412156 (VCV001412156.4).